The following is an entry in ClinVar:

ClinVar aggregate classification (germline): Likely benign (1 of 4 stars; one submission).

gnomAD v4.1: 96 of 1,613,988 alleles (0.0059%); highest among the groups gnomAD compares: South Asian, 0.024%; no homozygotes.

Submission:

CeGaT Center for Human Genetics Tuebingen
Classification: Likely benign. Last evaluated: 2026-06-01. Review status: criteria provided, single submitter. Criteria: CeGaT Center For Human Genetics Tuebingen Variant Classification Criteria Version 2. Collection method: clinical testing. Allele origin: germline. Affected: yes. Observed: 1 variant allele.
Comment: ZNF462: BP4, BP7

NM_021224.6(ZNF462):c.624G>A (p.Pro208=)

Gene: ZNF462 (zinc finger protein 462; plus strand). Cytogenetic location: 9q31.2.
Variant type: single nucleotide variant.
Coding change: c.624G>A on transcript NM_021224.6 (MANE Select); coding-DNA position 624, G replaced by A.
Protein change: p.Pro208=; no amino-acid change (proline 208 retained).
Molecular consequence: synonymous variant.
Genome position (GRCh38, 1-based): chr9:106,924,536, G>A. VCF-style: chr9-106924536-G-A. GRCh37 (hg19) VCF-style: chr9-109686817-G-A.
Other names: c.624G>A, p.Pro208= (NM_001347997.2).
Identifiers: ClinVar variation 4872316 (VCV004872316.2).